The following is an entry in ClinVar:

NM_170601.5(SIAE):c.804G>A (p.Met268Ile)

Gene: SIAE (sialic acid acetylesterase; minus strand). Cytogenetic location: 11q24.2.
Variant type: single nucleotide variant.
Coding change: c.804G>A on transcript NM_170601.5 (MANE Select); coding-DNA position 804, G replaced by A.
Protein change: p.Met268Ile; replaces methionine 268 with isoleucine.
Molecular consequence: missense variant.
Genome position (GRCh38, 1-based): chr11:124,648,094, C>T on the plus strand (G>A on the coding strand, the complement: SIAE is on the minus strand). VCF-style: chr11-124648094-C-T. GRCh37 (hg19) VCF-style: chr11-124517990-C-T.
Other names: c.699G>A, p.Met233Ile (NM_001199922.2); short protein forms M233I, M268I.
Identifiers: ClinVar variation 3692516 (VCV003692516.2).

ClinVar aggregate classification (germline): Uncertain significance (1 of 4 stars; one submission).

Submission:

Labcorp Genetics (formerly Invitae), Labcorp
Classification: Uncertain significance. Last evaluated: 2025-12-06. Review status: criteria provided, single submitter. Criteria: Invitae Variant Classification Sherloc (09022015). Collection method: clinical testing. Allele origin: germline.
Comment: This sequence change replaces methionine, which is neutral and non-polar, with isoleucine, which is neutral and non-polar, at codon 268 of the SIAE protein (p.Met268Ile). This variant is not present in population databases (gnomAD no frequency). This variant has not been reported in the literature in individuals affected with SIAE-related conditions. ClinVar contains an entry for this variant (Variation ID: 3692516). An algorithm developed to predict the effect of missense changes on protein structure and function (PolyPhen-2) suggests that this variant is likely to be disruptive. Algorithms developed to predict the effect of sequence changes on RNA splicing suggest that this variant may disrupt the consensus splice site. In summary, the available evidence is currently insufficient to determine the role of this variant in disease. Therefore, it has been classified as a Variant of Uncertain Significance.